The following is an entry in ClinVar:

ClinVar aggregate classification (germline): Pathogenic (1 of 4 stars; one submission).

Conditions:
TSC1-related disorder. Also called: TSC1-related condition.

Submission:

PreventionGenetics, part of Exact Sciences
Classification: Pathogenic for TSC1-related condition. Last evaluated: 2024-11-22. Review status: criteria provided, single submitter. Criteria: ACMG Guidelines, 2015. Collection method: clinical testing. Allele origin: germline.
Comment: The TSC1 c.1527dupA variant is predicted to result in a frameshift and premature protein termination (p.Asp510Argfs*25). To our knowledge, this variant has not been reported in the literature or in a large population database, indicating this variant is rare. Frameshift variants in TSC1 are expected to be pathogenic. This variant is interpreted as pathogenic.

NM_000368.5(TSC1):c.1527dup (p.Asp510fs)

Gene: TSC1 (TSC complex subunit 1; minus strand). Cytogenetic location: 9q34.13.
Variant type: Duplication.
Coding change: c.1527dup on transcript NM_000368.5 (MANE Select); coding-DNA position 1527, one base duplicated (A; older notation c.1527dupA).
Protein change: p.Asp510fs; shifts the reading frame from aspartic acid 510.
Molecular consequence: frameshift variant. On other transcripts: non-coding transcript variant (5).
Genome position (GRCh38, 1-based): chr9:132,906,051, T duplicated on the plus strand (A on the coding strand, the reverse complement: TSC1 is on the minus strand). VCF-style (leftmost placement, unchanged base first): chr9-132906050-C-CT. GRCh37 (hg19) VCF-style: chr9-135781437-C-CT.
Other names: c.1164dup, p.Asp389fs (NM_001406615.1, NM_001406616.1, NM_001406617.1 and 5 more transcripts); c.1161dup, p.Asp388fs (NM_001406620.1, NM_001406621.1, NM_001406622.1 and 2 more transcripts); c.576dup, p.Asp193fs (NM_001406626.1); c.573dup, p.Asp192fs (NM_001406627.1, NM_001406628.1); c.474dup, p.Asp159fs (NM_001406629.1, NM_001406630.1); c.1527dupA (NM_000368.4); c.1524dup, p.Asp509fs (NM_001162426.2, NM_001406597.1, NM_001406598.1 and 6 more transcripts); c.1374dup, p.Asp459fs (NM_001162427.2, NM_001406610.1); and 2 more; short protein forms D159fs, D192fs, D193fs, D388fs, D389fs, D458fs, D459fs, D509fs.
Identifiers: ClinVar variation 3033600 (VCV003033600.3), dbSNP rs2538742469, ClinGen allele CA2740090860.
Genomic context (GRCh38, chr9:132,906,050, plus strand): 5'-TGGCGCCCTGAGAACTGGAGGCTGCCGAGTGGGTCTTCCGCTGAGAACCTGGGAGACTGT[C>CT]TCGGTAAAAGGGAGAGTCAAAGCCTCCTCGAGGAACCACAGGCTCTGCCTCTGCTGTGGT-3'